The following is an entry in ClinVar:

NM_020831.6(MRTFA):c.1729G>C (p.Gly577Arg)

Gene: MRTFA (myocardin related transcription factor A; minus strand). Cytogenetic location: 22q13.1.
Variant type: single nucleotide variant.
Coding change: c.1729G>C on transcript NM_020831.6 (MANE Select); coding-DNA position 1729, G replaced by C.
Protein change: p.Gly577Arg; replaces glycine 577 with arginine.
Molecular consequence: missense variant.
Genome position (GRCh38, 1-based): chr22:40,419,009, C>G on the plus strand (G>C on the coding strand, the complement: MRTFA is on the minus strand). VCF-style: chr22-40419009-C-G. GRCh37 (hg19) VCF-style: chr22-40815013-C-G.
Other names: c.1429G>C, p.Gly477Arg (NM_001282660.2); c.1579G>C, p.Gly527Arg (NM_001282661.3); c.1729G>C, p.Gly577Arg (NM_001282662.3); c.1534G>C, p.Gly512Arg (NM_001318139.2); short protein forms G477R, G577R, G512R, G527R.
Identifiers: ClinVar variation 3398420 (VCV003398420.2).

ClinVar aggregate classification (germline): Uncertain significance. Review status: criteria provided, multiple submitters, no conflicts (2 of 4 stars). 2 submissions from 2 submitters: Uncertain significance (2). Last evaluated 2025-02-04.

gnomAD v4.1: 6 of 1,612,636 alleles (0.00037%); highest among the groups gnomAD compares: Admixed American, 0.0067%; no homozygotes.

Submissions (2):

Labcorp Genetics (formerly Invitae), Labcorp
Classification: Uncertain significance. Last evaluated: 2025-02-04. Review status: criteria provided, single submitter. Criteria: Invitae Variant Classification Sherloc (09022015). Collection method: clinical testing. Allele origin: germline.
Comment: This sequence change replaces glycine, which is neutral and non-polar, with arginine, which is basic and polar, at codon 477 of the MKL1 protein (p.Gly477Arg). This variant is present in population databases (no rsID available, gnomAD 0.01%). This variant has not been reported in the literature in individuals affected with MKL1-related conditions. ClinVar contains an entry for this variant (Variation ID: 3398420). An algorithm developed to predict the effect of missense changes on protein structure and function (PolyPhen-2) suggests that this variant is likely to be disruptive. In summary, the available evidence is currently insufficient to determine the role of this variant in disease. Therefore, it has been classified as a Variant of Uncertain Significance.

Ambry Genetics
Classification: Uncertain significance. Last evaluated: 2024-09-26. Review status: criteria provided, single submitter. Criteria: Ambry Variant Classification Scheme 2023. Collection method: clinical testing. Allele origin: germline.